The following is an entry in ClinVar:

ClinVar aggregate classification (germline): Uncertain significance (1 of 4 stars; one submission).

Conditions:
Joubert syndrome 15 (JBTS15). Identifiers: Orphanet 475, MedGen C3280897, MONDO:0013763, OMIM 614464.

Allele frequency attached by ClinVar (database versions not stated): gnomAD exomes below 0.00001.
gnomAD v4.1: 1 of 1,612,992 alleles (0.000062%); highest among the groups gnomAD compares: Non-Finnish European, 0.000085%; no homozygotes.

Submission:

Labcorp Genetics (formerly Invitae), Labcorp
Classification: Uncertain significance for Joubert syndrome 15. Last evaluated: 2022-06-23. Review status: criteria provided, single submitter. Criteria: Invitae Variant Classification Sherloc (09022015). Collection method: clinical testing. Allele origin: germline.
Comment: This sequence change replaces isoleucine, which is neutral and non-polar, with valine, which is neutral and non-polar, at codon 70 of the CEP41 protein (p.Ile70Val). In summary, the available evidence is currently insufficient to determine the role of this variant in disease. Therefore, it has been classified as a Variant of Uncertain Significance. Algorithms developed to predict the effect of sequence changes on RNA splicing suggest that this variant may create or strengthen a splice site. Algorithms developed to predict the effect of missense changes on protein structure and function output the following: SIFT: "Tolerated"; PolyPhen-2: "Benign"; Align-GVGD: "Class C0". The valine amino acid residue is found in multiple mammalian species, which suggests that this missense change does not adversely affect protein function. This variant has not been reported in the literature in individuals affected with CEP41-related conditions. This variant is not present in population databases (gnomAD no frequency).

NM_018718.3(CEP41):c.208A>G (p.Ile70Val)

Gene: CEP41 (centrosomal protein 41; minus strand). Cytogenetic location: 7q32.2.
Variant type: single nucleotide variant.
Coding change: c.208A>G on transcript NM_018718.3 (MANE Select); coding-DNA position 208, A replaced by G.
Protein change: p.Ile70Val; replaces isoleucine 70 with valine.
Molecular consequence: missense variant. On other transcripts: non-coding transcript variant (1).
Genome position (GRCh38, 1-based): chr7:130,411,191, T>C on the plus strand (A>G on the coding strand, the complement: CEP41 is on the minus strand). VCF-style: chr7-130411191-T-C. GRCh37 (hg19) VCF-style: chr7-130051032-T-C.
Other names: c.208A>G, p.Ile70Val (NM_001257158.2); c.160A>G, p.Ile54Val (NM_001257159.2); short protein forms I54V, I70V.
Identifiers: ClinVar variation 2170122 (VCV002170122.4), dbSNP rs2536088281, ClinGen allele CA369290067.
Genomic context (GRCh38, chr7:130,411,191, plus strand): 5'-TTTGAATCTCCTCAGCTGTCACTTCCAGTGTTTGATCAGAGAGGGAAGCAACTTGGATGA[T>C]CTGATAGAAAAAAGAATGAAATGTGTGGATGTTTGTTTGTTTTTAAACAGACGCAATTTT-3'
Protein context (NP_061188.1, residues 60-80): RLKVTTFAQL[Ile70Val]IQVASLSDQT